The following is an entry in ClinVar:

NM_005085.4(NUP214):c.112C>T (p.Arg38Cys)

Gene: NUP214 (nucleoporin 214; plus strand). Cytogenetic location: 9q34.13.
Variant type: single nucleotide variant.
Coding change: c.112C>T on transcript NM_005085.4 (MANE Select); coding-DNA position 112, C replaced by T.
Protein change: p.Arg38Cys; replaces arginine 38 with cysteine.
Molecular consequence: missense variant.
Genome position (GRCh38, 1-based): chr9:131,127,590, C>T. VCF-style: chr9-131127590-C-T. GRCh37 (hg19) VCF-style: chr9-134002977-C-T.
Other names: c.112C>T, p.Arg38Cys (NM_001318324.2, LRG_1383t1); short protein forms R38C.
Identifiers: ClinVar variation 545116 (VCV000545116.7), dbSNP rs143595616, ClinGen allele CA5288564.

ClinVar aggregate classification (germline): Pathogenic/Likely pathogenic. Review status: criteria provided, multiple submitters, no conflicts (2 of 4 stars). 5 submissions from 5 submitters: Pathogenic (1); Likely pathogenic (2). 2 of the submissions do not count toward it. Last evaluated 2024-08-13.

Conditions:
Recurrent encephalopathy. Identifiers: MedGen C1850719, HP:0007335.
Progressive microcephaly. Identifiers: MedGen C1850456, HP:0000253.
NUP214-related disorder. Also called: NUP214-related condition; NUP214-related disorders.
Encephalopathy, acute, infection-induced, susceptibility to, 9. Identifiers: MedGen C5193089, MONDO:0032742, OMIM 618426.

Allele frequency attached by ClinVar (database versions not stated): TOPMed 0.00002; gnomAD 0.00003; gnomAD exomes 0.00004 and 0.00007; ExAC 0.00011; ESP Exome Variant Server 0.00015.

Submissions (5):

Blueprint Genetics
Classification: Likely pathogenic for NUP214-related disorders. Last evaluated: 2024-08-13. Review status: criteria provided, single submitter. Criteria: ACMG Guidelines, 2015. Collection method: clinical testing. Allele origin: germline. Affected: yes. Observed: 4 variant alleles.

Baylor Genetics
Classification: Likely pathogenic for Encephalopathy, acute, infection-induced, susceptibility to, 9. Last evaluated: 2022-12-11. Review status: criteria provided, single submitter. Criteria: ACMG Guidelines, 2015. Collection method: clinical testing. Allele origin: unknown.

Victorian Clinical Genetics Services, Murdoch Childrens Research Institute
Classification: Pathogenic for Encephalopathy, acute, infection-induced, susceptibility to, 9. Last evaluated: 2022-06-24. Review status: criteria provided, single submitter. Criteria: ACMG Guidelines, 2015. Collection method: clinical testing. Allele origin: germline. Inheritance: Autosomal recessive inheritance. Affected: yes.
Comment: Based on the classification scheme VCGS_Germline_v1.3.4, this variant is classified as Pathogenic. Following criteria are met: 0102 - Loss of function is a known mechanism of disease in this gene and is associated with susceptibility to infection-induced acute encephalopathy (MIM#618426). (I) 0106 - This gene is associated with autosomal recessive disease. (I) 0200 - Variant is predicted to result in a missense amino acid change from arginine to cysteine. (I) 0251 - This variant is heterozygous. (I) 0304 - Variant is present in gnomAD <0.01 for a recessive condition (v2: 18 heterozygotes, 0 homozygotes). (SP) 0501 - Missense variant consistently predicted to be damaging by multiple in silico tools or highly conserved with a major amino acid change. (SP) 0604 - Variant is not located in an established domain, motif, hotspot or informative constraint region. (I) 0705 - No comparable missense variants have previous evidence for pathogenicity. (I) 0803 - This variant has limited previous evidence of pathogenicity in an unrelated individual. It has been reported in a family with two affecteds who presented with encephalopathy and developmental regression after a febrile illness (PMID: 31178128). (SP) 0902 - This variant has moderate evidence for segregation with disease. (SP) 1001 - This variant has strong functional evidence supporting abnormal protein function. Using patient's fibroblasts, both reduced protein expression and dysfunctional nuclear transport were demonstrated (PMID: 31178128). (SP) 1102 - Strong phenotype match for this individual. (I) Legend: (SP) - Supporting pathogenic, (I) - Information, (SB) - Supporting benign

OMIM
Classification: risk factor for ENCEPHALOPATHY, ACUTE, INFECTION-INDUCED, SUSCEPTIBILITY TO, 9. Last evaluated: 2019-06-19. Review status: no assertion criteria provided. Collection method: literature only. Allele origin: germline. Not counted in ClinVar's aggregate classification.

Hadassah Hebrew University Medical Center
Classification: Likely pathogenic for Recurrent encephalopathy; Progressive microcephaly. Review status: no assertion criteria provided. Collection method: research. Allele origin: germline. Inheritance: Autosomal recessive inheritance. Affected: yes. Observed: 1 variant allele, 1 homozygote. Not counted in ClinVar's aggregate classification.

Literature cited by the submitters: PubMed 31178128 (cited by Victorian Clinical Genetics Services, Murdoch Childrens Research Institute and OMIM).